The following is an entry in ClinVar:

NM_001308210.2(TSHZ1):c.1846G>A (p.Glu616Lys)

Gene: TSHZ1 (teashirt zinc finger homeobox 1; plus strand). Cytogenetic location: 18q22.3.
Variant type: single nucleotide variant.
Coding change: c.1846G>A on transcript NM_001308210.2 (MANE Select); coding-DNA position 1846, G replaced by A.
Protein change: p.Glu616Lys; replaces glutamic acid 616 with lysine.
Molecular consequence: missense variant.
Genome position (GRCh38, 1-based): chr18:75,287,253, G>A. VCF-style: chr18-75287253-G-A. GRCh37 (hg19) VCF-style: chr18-72999208-G-A.
Other names: c.1711G>A (NM_005786.5); c.1711G>A, p.Glu571Lys (NM_005786.6); short protein forms E616K, E571K.
Identifiers: ClinVar variation 3462808 (VCV003462808.2).

ClinVar aggregate classification (germline): Uncertain significance. Review status: criteria provided, multiple submitters, no conflicts (2 of 4 stars). 2 submissions from 2 submitters: Uncertain significance (2). Last evaluated 2026-08-19.

Conditions:
TSHZ1-related disorder. Also called: TSHZ1-related condition.

gnomAD v4.1: 34 of 1,613,822 alleles (0.0021%); highest among the groups gnomAD compares: African/African-American, 0.0027%; no homozygotes.

Submissions (2):

PreventionGenetics, part of Exact Sciences
Classification: Uncertain significance for TSHZ1-related condition. Last evaluated: 2026-08-19. Review status: criteria provided, single submitter. Criteria: ACMG Guidelines, 2015. Collection method: clinical testing. Allele origin: germline.
Comment: The TSHZ1 c.1711G>A variant is predicted to result in the amino acid substitution p.Glu571Lys. To our knowledge, this variant has not been reported in the literature. This variant is reported in 0.0031% of alleles in individuals of European (Non-Finnish) descent in gnomAD. At this time, the clinical significance of this variant is uncertain due to the absence of conclusive functional and genetic evidence.

Ambry Genetics
Classification: Uncertain significance. Last evaluated: 2024-10-03. Review status: criteria provided, single submitter. Criteria: Ambry Variant Classification Scheme 2023. Collection method: clinical testing. Allele origin: germline.